The following is an entry in ClinVar:

ClinVar aggregate classification (germline): Conflicting classifications of pathogenicity. Review status: criteria provided, conflicting classifications (1 of 4 stars). 3 submissions from 3 submitters: Uncertain significance (2); Likely benign (1). Last evaluated 2025-08-07.

Conditions:
Hereditary pancreatitis (PCTT). Also called: Hereditary chronic pancreatitis; PRSS1-Related Hereditary Pancreatitis. Identifiers: Orphanet 676, MedGen C0238339, MONDO:0008185, OMIM 167800.

Allele frequency attached by ClinVar (database versions not stated): gnomAD exomes below 0.00001; gnomAD 0.00001; ExAC 0.00011.
gnomAD v4.1: 6 of 1,613,978 alleles (0.00037%); highest among the groups gnomAD compares: Non-Finnish European, 0.00051%; no homozygotes.

Submissions (3):

Ambry Genetics
Classification: Likely benign for Hereditary pancreatitis. Last evaluated: 2025-08-07. Review status: criteria provided, single submitter. Criteria: Ambry Variant Classification Scheme 2023. Collection method: clinical testing. Allele origin: germline.

Labcorp Genetics (formerly Invitae), Labcorp
Classification: Uncertain significance for Hereditary pancreatitis. Last evaluated: 2024-10-30. Review status: criteria provided, single submitter. Criteria: Invitae Variant Classification Sherloc (09022015). Collection method: clinical testing. Allele origin: germline.
Comment: This sequence change replaces asparagine, which is neutral and polar, with aspartic acid, which is acidic and polar, at codon 105 of the PRSS1 protein (p.Asn105Asp). The frequency data for this variant in the population databases is considered unreliable, as metrics indicate poor data quality at this position in the gnomAD database. This variant has not been reported in the literature in individuals affected with PRSS1-related conditions. ClinVar contains an entry for this variant (Variation ID: 2503990). Invitae Evidence Modeling of protein sequence and biophysical properties (such as structural, functional, and spatial information, amino acid conservation, physicochemical variation, residue mobility, and thermodynamic stability) indicates that this missense variant is not expected to disrupt PRSS1 protein function with a negative predictive value of 80%. In summary, the available evidence is currently insufficient to determine the role of this variant in disease. Therefore, it has been classified as a Variant of Uncertain Significance.

Women's Health and Genetics/Laboratory Corporation of America, LabCorp
Classification: Uncertain significance. Last evaluated: 2023-04-05. Review status: criteria provided, single submitter. Criteria: LabCorp Variant Classification Summary - May 2015. Collection method: clinical testing. Allele origin: germline.

NM_002769.5(PRSS1):c.313A>G (p.Asn105Asp)

Genes: TRB (T cell receptor beta locus; plus strand), PRSS1 (serine protease 1; plus strand). Cytogenetic location: 7q34.
Variant type: single nucleotide variant.
Coding change: c.313A>G on transcript NM_002769.5 (MANE Select); coding-DNA position 313, A replaced by G.
Protein change: p.Asn105Asp; replaces asparagine 105 with aspartic acid.
Molecular consequence: missense variant. On other transcripts: non-coding transcript variant (4).
Genome position (GRCh38, 1-based): chr7:142,751,886, A>G. VCF-style: chr7-142751886-A-G. GRCh37 (hg19) VCF-style: chr7-142459737-A-G.
Other names: c.313A>G (NM_002769.4); short protein forms N105D.
Identifiers: ClinVar variation 2503990 (VCV002503990.4), dbSNP rs200254850, ClinGen allele CA4529921.